The following is an entry in ClinVar:

ClinVar aggregate classification (germline): Uncertain significance (1 of 4 stars; one submission).

Submission:

Mayo Clinic Laboratories, Mayo Clinic
Classification: Uncertain significance. Last evaluated: 2023-09-18. Review status: criteria provided, single submitter. Criteria: ACMG Guidelines, 2015. Collection method: clinical testing. Allele origin: germline. Observed: 1 variant allele.
Comment: PM2_moderate

NM_021076.4(NEFH):c.1637C>A (p.Ser546Tyr)

Gene: NEFH (neurofilament heavy chain; plus strand). Cytogenetic location: 22q12.2.
Variant type: single nucleotide variant.
Coding change: c.1637C>A on transcript NM_021076.4 (MANE Select); coding-DNA position 1637, C replaced by A.
Protein change: p.Ser546Tyr; replaces serine 546 with tyrosine.
Molecular consequence: missense variant.
Genome position (GRCh38, 1-based): chr22:29,489,277, C>A. VCF-style: chr22-29489277-C-A. GRCh37 (hg19) VCF-style: chr22-29885266-C-A.
Other names: p.Ser546Tyr; short protein forms S546Y.
Identifiers: ClinVar variation 3380705 (VCV003380705.1).